The following is an entry in ClinVar:

ClinVar aggregate classification (germline): Uncertain significance (1 of 4 stars; one submission).

Conditions:
Left ventricular noncompaction 8 (LVNC8). Identifiers: Orphanet 154, Orphanet 54260, MedGen C3809288, MONDO:0014152, OMIM 615373.

Submission:

Labcorp Genetics (formerly Invitae), Labcorp
Classification: Uncertain significance for Left ventricular noncompaction 8. Last evaluated: 2025-12-08. Review status: criteria provided, single submitter. Criteria: Invitae Variant Classification Sherloc (09022015). Collection method: clinical testing. Allele origin: germline.
Comment: This sequence change creates a premature translational stop signal (p.Tyr294*) in the PRDM16 gene. It is expected to result in an absent or disrupted protein product. However, the current clinical and genetic evidence is not sufficient to establish whether loss-of-function variants in PRDM16 cause disease. This variant is not present in population databases (gnomAD no frequency). This variant has not been reported in the literature in individuals affected with PRDM16-related conditions. In summary, the available evidence is currently insufficient to determine the role of this variant in disease. Therefore, it has been classified as a Variant of Uncertain Significance.

NM_022114.4(PRDM16):c.882C>G (p.Tyr294Ter)

Gene: PRDM16 (PR/SET domain 16; plus strand). Cytogenetic location: 1p36.32.
Variant type: single nucleotide variant.
Coding change: c.882C>G on transcript NM_022114.4 (MANE Select); coding-DNA position 882, C replaced by G.
Protein change: p.Tyr294Ter; replaces tyrosine 294 with a stop codon.
Molecular consequence: nonsense.
Genome position (GRCh38, 1-based): chr1:3,402,996, C>G. VCF-style: chr1-3402996-C-G. GRCh37 (hg19) VCF-style: chr1-3319560-C-G.
Other names: c.882C>G, p.Tyr294Ter (NM_199454.3); short protein forms Y294*.
Identifiers: ClinVar variation 4732682 (VCV004732682.1).
Genomic context (GRCh38, chr1:3,402,996, plus strand): 5'-CGGTGGCAGCGGCCAAGCCCACGAGTGCAAGGACTGCGAGCGGATGTTCCCCAACAAGTA[C>G]AGGTGCCACGCCCTCCTCTGAGTCTTCCTCCCCTTCCCGTACCCTCCTCTGAGTCTTCCT-3'